The following is an entry in ClinVar:

ClinVar aggregate classification (germline): Uncertain significance (1 of 4 stars; one submission).

Conditions:
Cardiovascular phenotype. Identifiers: MedGen CN230736.

Submission:

Ambry Genetics
Classification: Uncertain significance for Cardiovascular phenotype. Last evaluated: 2020-10-16. Review status: criteria provided, single submitter. Criteria: Ambry Variant Classification Scheme 2023. Collection method: clinical testing. Allele origin: germline.
Comment: The p.A403D variant (also known as c.1208C>A), located in coding exon 11 of the ACTN2 gene, results from a C to A substitution at nucleotide position 1208. The alanine at codon 403 is replaced by aspartic acid, an amino acid with dissimilar properties. This amino acid position is highly conserved in available vertebrate species. In addition, this alteration is predicted to be deleterious by in silico analysis. Since supporting evidence is limited at this time, the clinical significance of this alteration remains unclear.

NM_001103.4(ACTN2):c.1208C>A (p.Ala403Asp)

Gene: ACTN2 (actinin alpha 2; plus strand). Cytogenetic location: 1q43.
Variant type: single nucleotide variant.
Coding change: c.1208C>A on transcript NM_001103.4 (MANE Select); coding-DNA position 1208, C replaced by A.
Protein change: p.Ala403Asp; replaces alanine 403 with aspartic acid.
Molecular consequence: missense variant.
Genome position (GRCh38, 1-based): chr1:236,742,996, C>A. VCF-style: chr1-236742996-C-A. GRCh37 (hg19) VCF-style: chr1-236906296-C-A.
Other names: c.1208C>A, p.Ala403Asp (NM_001278343.2); c.584C>A, p.Ala195Asp (NM_001278344.2); c.458C>A, p.Ala153Asp (NM_001412150.1); short protein forms A403D, A195D, A153D.
Identifiers: ClinVar variation 1749228 (VCV001749228.2), dbSNP rs1300208796, ClinGen allele CA345382365.